The following is an entry in ClinVar:

NM_001112726.3(CEP170B):c.707C>T (p.Pro236Leu)

Gene: CEP170B (centrosomal protein 170B; plus strand). Cytogenetic location: 14q32.33.
Variant type: single nucleotide variant.
Coding change: c.707C>T on transcript NM_001112726.3 (MANE Select); coding-DNA position 707, C replaced by T.
Protein change: p.Pro236Leu; replaces proline 236 with leucine.
Molecular consequence: missense variant.
Genome position (GRCh38, 1-based): chr14:104,883,164, C>T. VCF-style: chr14-104883164-C-T. GRCh37 (hg19) VCF-style: chr14-105349501-C-T.
Other names: c.497C>T, p.Pro166Leu (NM_015005.3); short protein forms P166L, P236L.
Identifiers: ClinVar variation 3044921 (VCV003044921.2), dbSNP rs61752555, ClinGen allele CA7375378.

ClinVar aggregate classification (germline): Benign (0 of 4 stars; one submission).

Conditions:
CEP170B-related disorder. Also called: CEP170B-related condition.

Allele frequency attached by ClinVar (database versions not stated): gnomAD 0.00921; TOPMed 0.00995; ESP Exome Variant Server 0.01006; 1000 Genomes Project 0.01158; 1000 Genomes Project 30x 0.01265.
gnomAD v4.1: 2,638 of 1,608,606 alleles (0.16%); highest among the groups gnomAD compares: African/African-American, 3.2%; 40 homozygotes.

Submission:

PreventionGenetics, part of Exact Sciences
Classification: Benign for CEP170B-related condition. Last evaluated: 2019-06-07. Review status: no assertion criteria provided. Collection method: clinical testing. Allele origin: germline.
Comment: This variant is classified as benign based on ACMG/AMP sequence variant interpretation guidelines (Richards et al. 2015 PMID: 25741868, with internal and published modifications).